The following is an entry in ClinVar:

ClinVar aggregate classification (germline): Pathogenic (1 of 4 stars; one submission).

Conditions:
Angelman syndrome-like. Identifiers: MedGen CN128785.
Developmental and epileptic encephalopathy, 2 (DEE2). Also called: INFANTILE SPASM SYNDROME, X-LINKED 2; CDKL5 deficiency disorder. Identifiers: Orphanet 1934, Orphanet 3451, Orphanet 505652, MedGen C4750718, MONDO:0010396, OMIM 300672.

Submission:

Labcorp Genetics (formerly Invitae), Labcorp
Classification: Pathogenic for Developmental and epileptic encephalopathy, 2; Angelman syndrome-like. Last evaluated: 2024-10-22. Review status: criteria provided, single submitter. Criteria: Invitae Variant Classification Sherloc (09022015). Collection method: clinical testing. Allele origin: germline.
Comment: This sequence change creates a premature translational stop signal (p.Pro250Glnfs*17) in the CDKL5 gene. It is expected to result in an absent or disrupted protein product. Loss-of-function variants in CDKL5 are known to be pathogenic (PMID: 22872100). This variant is not present in population databases (gnomAD no frequency). This variant has not been reported in the literature in individuals affected with CDKL5-related conditions. ClinVar contains an entry for this variant (Variation ID: 1456215). For these reasons, this variant has been classified as Pathogenic.

Literature cited by the submitters: PubMed 22872100.

NM_001323289.2(CDKL5):c.749del (p.Pro250fs)

Gene: CDKL5 (cyclin dependent kinase like 5; plus strand). Cytogenetic location: Xp22.13.
Variant type: Deletion.
Coding change: c.749del on transcript NM_001323289.2 (MANE Select); coding-DNA position 749, one base deleted (C; older notation c.749delC).
Protein change: p.Pro250fs; shifts the reading frame from proline 250.
Molecular consequence: frameshift variant.
Genome position (GRCh38, 1-based): chrX:18,595,352, C deleted; the last of 2 consecutive C bases (chrX:18,595,351-18,595,352); deleting either gives the same sequence. VCF-style (leftmost placement, unchanged base first): chrX-18595350-TC-T. GRCh37 (hg19) VCF-style: chrX-18613470-TC-T.
Other names: c.749del, p.Pro250fs (NM_001037343.2, NM_003159.3); short protein forms P250fs.
Identifiers: ClinVar variation 1456215 (VCV001456215.6), dbSNP rs2147153531, ClinGen allele CA2573158458.